The following is an entry in ClinVar:

ClinVar aggregate classification (germline): Uncertain significance. Review status: criteria provided, multiple submitters, no conflicts (2 of 4 stars). 2 submissions from 2 submitters: Uncertain significance (2). Last evaluated 2024-04-05.

Conditions:
Cardiovascular phenotype. Identifiers: MedGen CN230736.
RASopathy. Also called: rasopathies; Noonan spectrum disorder. Identifiers: Orphanet 536391, MedGen C5555857, MONDO:0021060.

Allele frequency attached by ClinVar (database versions not stated): gnomAD exomes below 0.00001 and 0.00001; gnomAD 0.00001.
gnomAD v4.1: 20 of 1,613,868 alleles (0.0012%); highest among the groups gnomAD compares: Non-Finnish European, 0.0017%; no homozygotes.

Submissions (2):

Ambry Genetics
Classification: Uncertain significance for Cardiovascular phenotype. Last evaluated: 2024-04-05. Review status: criteria provided, single submitter. Criteria: Ambry Variant Classification Scheme 2023. Collection method: clinical testing. Allele origin: germline.
Comment: The p.P1258T variant (also known as c.3772C>A), located in coding exon 23 of the SOS1 gene, results from a C to A substitution at nucleotide position 3772. The proline at codon 1258 is replaced by threonine, an amino acid with highly similar properties. This amino acid position is conserved. In addition, this alteration is predicted to be tolerated by in silico analysis. Based on the available evidence, the clinical significance of this variant remains unclear.

Labcorp Genetics (formerly Invitae), Labcorp
Classification: Uncertain significance for RASopathy. Last evaluated: 2021-11-22. Review status: criteria provided, single submitter. Criteria: Invitae Variant Classification Sherloc (09022015). Collection method: clinical testing. Allele origin: germline.
Comment: In summary, the available evidence is currently insufficient to determine the role of this variant in disease. Therefore, it has been classified as a Variant of Uncertain Significance. Algorithms developed to predict the effect of missense changes on protein structure and function are either unavailable or do not agree on the potential impact of this missense change (SIFT: "Tolerated"; PolyPhen-2: "Probably Damaging"; Align-GVGD: "Class C0"). This variant has not been reported in the literature in individuals affected with SOS1-related conditions. This variant is present in population databases (no rsID available, gnomAD 0.0009%). This sequence change replaces proline, which is neutral and non-polar, with threonine, which is neutral and polar, at codon 1258 of the SOS1 protein (p.Pro1258Thr).

NM_005633.4(SOS1):c.3772C>A (p.Pro1258Thr)

Gene: SOS1 (SOS Ras/Rac guanine nucleotide exchange factor 1; minus strand). Cytogenetic location: 2p22.1.
Variant type: single nucleotide variant.
Coding change: c.3772C>A on transcript NM_005633.4 (MANE Select); coding-DNA position 3772, C replaced by A.
Protein change: p.Pro1258Thr; replaces proline 1258 with threonine.
Molecular consequence: missense variant.
Genome position (GRCh38, 1-based): chr2:38,986,054, G>T on the plus strand (C>A on the coding strand, the complement: SOS1 is on the minus strand). VCF-style: chr2-38986054-G-T. GRCh37 (hg19) VCF-style: chr2-39213195-G-T.
Other names: c.3751C>A, p.Pro1251Thr (NM_001382394.1); c.3727C>A, p.Pro1243Thr (NM_001382395.1); c.3772C>A (NM_005633.3); short protein forms P1251T, P1258T, P1243T.
Identifiers: ClinVar variation 1424636 (VCV001424636.7), dbSNP rs956446097, ClinGen allele CA16622168.
Genomic context (GRCh38, chr2:38,986,054, plus strand): 5'-ATGGTGGTGATGGCAGATGCCTTCTTGTGCCGTGAGGAGAAGGTGTTTGAGGAGGAGGTG[G>T]TGTAAAGGGGGAAGGGCTGTTTGGGAAGAAGGCATTGCCATGGTCACTTTTTTTGCCCAA-3'
Protein context (NP_005624.2, residues 1248-1268): FFPNSPSPFT[Pro1258Thr]PPPQTPSPHG